The following is an entry in ClinVar:

NM_020435.4(GJC2):c.473A>G (p.Glu158Gly)

Gene: GJC2 (gap junction protein gamma 2; plus strand). Cytogenetic location: 1q42.13.
Variant type: single nucleotide variant.
Coding change: c.473A>G on transcript NM_020435.4 (MANE Select); coding-DNA position 473, A replaced by G.
Protein change: p.Glu158Gly; replaces glutamic acid 158 with glycine.
Molecular consequence: missense variant.
Genome position (GRCh38, 1-based): chr1:228,158,231, A>G. VCF-style: chr1-228158231-A-G. GRCh37 (hg19) VCF-style: chr1-228345932-A-G.
Other names: short protein forms E158G.
Identifiers: ClinVar variation 3699429 (VCV003699429.2).

ClinVar aggregate classification (germline): Uncertain significance (1 of 4 stars; one submission).

Conditions:
Spastic paraplegia. Identifiers: MedGen C0037772, HP:0001258.

Submission:

Labcorp Genetics (formerly Invitae), Labcorp
Classification: Uncertain significance for Spastic paraplegia. Last evaluated: 2024-10-07. Review status: criteria provided, single submitter. Criteria: Invitae Variant Classification Sherloc (09022015). Collection method: clinical testing. Allele origin: germline.
Comment: This sequence change replaces glutamic acid, which is acidic and polar, with glycine, which is neutral and non-polar, at codon 158 of the GJC2 protein (p.Glu158Gly). This variant is not present in population databases (gnomAD no frequency). This variant has not been reported in the literature in individuals affected with GJC2-related conditions. Invitae Evidence Modeling of protein sequence and biophysical properties (such as structural, functional, and spatial information, amino acid conservation, physicochemical variation, residue mobility, and thermodynamic stability) indicates that this missense variant is not expected to disrupt GJC2 protein function with a negative predictive value of 95%. In summary, the available evidence is currently insufficient to determine the role of this variant in disease. Therefore, it has been classified as a Variant of Uncertain Significance.